The following is an entry in ClinVar:

NM_007294.4(BRCA1):c.335A>G (p.Asn112Ser)

Gene: BRCA1 (BRCA1 DNA repair associated; minus strand). Cytogenetic location: 17q21.31.
Variant type: single nucleotide variant.
Coding change: c.335A>G on transcript NM_007294.4 (MANE Select); coding-DNA position 335, A replaced by G.
Protein change: p.Asn112Ser; replaces asparagine 112 with serine.
Molecular consequence: missense variant. On other transcripts: non-coding transcript variant (1).
Genome position (GRCh38, 1-based): chr17:43,104,228, T>C on the plus strand (A>G on the coding strand, the complement: BRCA1 is on the minus strand). VCF-style: chr17-43104228-T-C. GRCh37 (hg19) VCF-style: chr17-41256245-T-C.
Other names: c.125A>G, p.Asn42Ser (NM_001407571.1, NM_001407853.1, NM_001407879.1 and 58 more transcripts); c.335A>G, p.Asn112Ser (NM_001407581.1, NM_001407582.1, NM_001407583.1 and 165 more transcripts); c.326A>G, p.Asn109Ser (NM_001407646.1, NM_001407647.1, NM_001408408.1); c.257A>G, p.Asn86Ser (NM_001407653.1, NM_001407654.1, NM_001407655.1 and 21 more transcripts); c.194A>G, p.Asn65Ser (NM_001407692.1, NM_001407694.1, NM_001407695.1 and 99 more transcripts); c.-47A>G (NM_001407959.1, NM_001407960.1, NM_001407962.1 and 4 more transcripts); c.203A>G, p.Asn68Ser (NM_001408451.1); short protein forms N65S, N112S, N42S, N68S, N109S, N86S.
Identifiers: ClinVar variation 1484628 (VCV001484628.9), dbSNP rs2154549791, ClinGen allele CA10601475.
Genomic context (GRCh38, chr17:43,104,228, plus strand): 5'-TTTCTGTAGCCCATACTTTGGATGATAGAAACTTCATCTTTTAGATGTTCAGGAGAGTTA[T>C]TTTCCTTTTTTGCAAAATTATAGCTGTTTGCATCTGTAAAATACAAGGGAAAACATTATG-3'
Protein context (NP_009225.1, residues 102-122): ANSYNFAKKE[Asn112Ser]NSPEHLKDEV

ClinVar aggregate classification (germline): Uncertain significance. Review status: criteria provided, multiple submitters, no conflicts (2 of 4 stars). 2 submissions from 2 submitters: Uncertain significance (2). Last evaluated 2022-05-05.

Conditions:
Hereditary cancer-predisposing syndrome. Also called: Hereditary neoplastic syndrome; Neoplastic Syndromes, Hereditary; Hereditary Cancer Syndrome; Tumor predisposition. Identifiers: Orphanet 140162, MedGen C0027672, MeSH D009386, MONDO:0015356.
Hereditary breast ovarian cancer syndrome. Also called: Hereditary breast and/or ovarian cancer syndrome; Hereditary breast and ovarian cancer syndrome (HBOC); Breast and ovarian cancer; Hereditary breast and ovarian cancer; Hereditary breast and ovarian cancer syndrome; BRCA1- and BRCA2-Associated Hereditary Breast and Ovarian Cancer. Identifiers: Orphanet 145, MedGen C0677776, MeSH D061325, MONDO:0003582. Disease mechanism: loss of function.

Submissions (2):

Ambry Genetics
Classification: Uncertain significance for Hereditary cancer-predisposing syndrome. Last evaluated: 2022-05-05. Review status: criteria provided, single submitter. Criteria: Ambry Variant Classification Scheme 2023. Collection method: clinical testing. Allele origin: germline.
Comment: The p.N112S variant (also known as c.335A>G), located in coding exon 5 of the BRCA1 gene, results from an A to G substitution at nucleotide position 335. The asparagine at codon 112 is replaced by serine, an amino acid with highly similar properties. This amino acid position is not well conserved in available vertebrate species. In addition, the in silico prediction for this alteration is inconclusive. Since supporting evidence is limited at this time, the clinical significance of this alteration remains unclear.

Labcorp Genetics (formerly Invitae), Labcorp
Classification: Uncertain significance for Hereditary breast ovarian cancer syndrome. Last evaluated: 2021-11-03. Review status: criteria provided, single submitter. Criteria: Invitae Variant Classification Sherloc (09022015). Collection method: clinical testing. Allele origin: germline.
Comment: This variant has not been reported in the literature in individuals affected with BRCA1-related conditions. Advanced modeling of protein sequence and biophysical properties (such as structural, functional, and spatial information, amino acid conservation, physicochemical variation, residue mobility, and thermodynamic stability) performed at Invitae indicates that this missense variant is not expected to disrupt BRCA1 protein function. This sequence change replaces asparagine, which is neutral and polar, with serine, which is neutral and polar, at codon 112 of the BRCA1 protein (p.Asn112Ser). This variant is not present in population databases (gnomAD no frequency). Algorithms developed to predict the effect of sequence changes on RNA splicing suggest that this variant may create or strengthen a splice site. In summary, the available evidence is currently insufficient to determine the role of this variant in disease. Therefore, it has been classified as a Variant of Uncertain Significance.

Literature cited by the submitters: PubMed 32806537 (cited by Ambry Genetics).